The following is an entry in ClinVar:

NM_000138.5(FBN1):c.1984T>G (p.Tyr662Asp)

Gene: FBN1 (fibrillin 1; minus strand). Cytogenetic location: 15q21.1.
Variant type: single nucleotide variant.
Coding change: c.1984T>G on transcript NM_000138.5 (MANE Select); coding-DNA position 1984, T replaced by G.
Protein change: p.Tyr662Asp; replaces tyrosine 662 with aspartic acid.
Molecular consequence: missense variant.
Genome position (GRCh38, 1-based): chr15:48,503,916, A>C on the plus strand (T>G on the coding strand, the complement: FBN1 is on the minus strand). VCF-style: chr15-48503916-A-C. GRCh37 (hg19) VCF-style: chr15-48796113-A-C.
Other names: p.Tyr662Asp; c.1984T>G, p.Tyr662Asp (NM_001406716.1); short protein forms Y662D.
Identifiers: ClinVar variation 2921857 (VCV002921857.4), dbSNP rs1282483526, ClinGen allele CA392338771.

ClinVar aggregate classification (germline): Uncertain significance. Review status: criteria provided, multiple submitters, no conflicts (2 of 4 stars). 2 submissions from 2 submitters: Uncertain significance (2). Last evaluated 2024-02-06.

Conditions:
Marfan syndrome (MFS). Also called: MARFAN SYNDROME, TYPE I; Marfan syndrome type 1; Marfan's syndrome; Marfan syndrome, classic; FBN1-Related Marfan Syndrome. Identifiers: Orphanet 284963, Orphanet 558, MedGen C0024796, MONDO:0007947, OMIM 154700.
Familial thoracic aortic aneurysm and aortic dissection (TAAD). Also called: Thoracic aortic aneurysms and dissections. Identifiers: Orphanet 91387, MedGen C4707243, MONDO:0019625.

Submissions (2):

Mayo Clinic Laboratories, Mayo Clinic
Classification: Uncertain significance. Last evaluated: 2024-02-06. Review status: criteria provided, single submitter. Criteria: ACMG Guidelines, 2015. Collection method: clinical testing. Allele origin: germline. Observed: 1 variant allele.
Comment: PP3, PM2

Labcorp Genetics (formerly Invitae), Labcorp
Classification: Uncertain significance for Marfan syndrome; Familial thoracic aortic aneurysm and aortic dissection. Last evaluated: 2024-01-18. Review status: criteria provided, single submitter. Criteria: Invitae Variant Classification Sherloc (09022015). Collection method: clinical testing. Allele origin: germline.
Comment: This sequence change replaces tyrosine, which is neutral and polar, with aspartic acid, which is acidic and polar, at codon 662 of the FBN1 protein (p.Tyr662Asp). This variant is not present in population databases (gnomAD no frequency). This variant has not been reported in the literature in individuals affected with FBN1-related conditions. Advanced modeling of protein sequence and biophysical properties (such as structural, functional, and spatial information, amino acid conservation, physicochemical variation, residue mobility, and thermodynamic stability) performed at Invitae indicates that this missense variant is expected to disrupt FBN1 protein function with a positive predictive value of 95%. In summary, the available evidence is currently insufficient to determine the role of this variant in disease. Therefore, it has been classified as a Variant of Uncertain Significance.